The following is an entry in ClinVar:

ClinVar aggregate classification (germline): Likely pathogenic (1 of 4 stars; one submission).

Submission:

CeGaT Center for Human Genetics Tuebingen
Classification: Likely pathogenic. Last evaluated: 2022-10-01. Review status: criteria provided, single submitter. Criteria: CeGaT Center For Human Genetics Tuebingen Variant Classification Criteria Version 2. Collection method: clinical testing. Allele origin: germline. Affected: yes. Observed: 1 variant allele.
Comment: ATP7B: PM2, PM3, PP3, PP4

NM_000053.4(ATP7B):c.2377G>C (p.Ala793Pro)

Gene: ATP7B (ATPase copper transporting beta; minus strand). Cytogenetic location: 13q14.3.
Variant type: single nucleotide variant.
Coding change: c.2377G>C on transcript NM_000053.4 (MANE Select); coding-DNA position 2377, G replaced by C.
Protein change: p.Ala793Pro; replaces alanine 793 with proline.
Molecular consequence: missense variant.
Genome position (GRCh38, 1-based): chr13:51,957,586, C>G on the plus strand (G>C on the coding strand, the complement: ATP7B is on the minus strand). VCF-style: chr13-51957586-C-G. GRCh37 (hg19) VCF-style: chr13-52531722-C-G.
Other names: c.2377G>C, p.Ala793Pro (NM_001406511.1, NM_001406512.1, NM_001406513.1 and 7 more transcripts); c.2344G>C, p.Ala782Pro (NM_001406514.1); c.2281G>C, p.Ala761Pro (NM_001406517.1, NM_001406518.1); c.2233G>C, p.Ala745Pro (NM_001406520.1, NM_001406537.1, NM_001406521.1 and 1 more transcripts); c.2125G>C, p.Ala709Pro (NM_001406531.1, NM_001406532.1, NM_001406540.1 and 1 more transcripts); c.2143G>C, p.Ala715Pro (NM_001406534.1, NM_001406538.1, NM_001330578.2 and 2 more transcripts); c.2047G>C, p.Ala683Pro (NM_001406536.1); c.1948G>C, p.Ala650Pro (NM_001406539.1); and 7 more; short protein forms A577P, A599P, A631P, A650P, A677P, A682P, A683P, A709P.
Identifiers: ClinVar variation 1879260 (VCV001879260.29), dbSNP rs1175843234, ClinGen allele CA388020378.
Genomic context (GRCh38, chr13:51,957,586, plus strand): 5'-AATTGTCCTCACCAAGGGTCACAACGGTGGCTTCTGTGGCTTGGAGAGACATGAGTTTAG[C>G]CAGGGCTTCTGAGGTTTTGCTCTAGGAAATAACCAGAATGTGAAATGAGAGCTATCGAAA-3'
Protein context (NP_000044.2, residues 783-803): LAKSKTSEAL[Ala793Pro]KLMSLQATEA